The following is an entry in ClinVar:

NM_001367549.1(ATP13A3):c.1774C>T (p.Arg592Cys)

Gene: ATP13A3 (ATPase 13A3; minus strand). Cytogenetic location: 3q29.
Variant type: single nucleotide variant.
Coding change: c.1774C>T on transcript NM_001367549.1 (MANE Select); coding-DNA position 1774, C replaced by T.
Protein change: p.Arg592Cys; replaces arginine 592 with cysteine.
Molecular consequence: missense variant. On other transcripts: non-coding transcript variant (2).
Genome position (GRCh38, 1-based): chr3:194,438,909, G>A on the plus strand (C>T on the coding strand, the complement: ATP13A3 is on the minus strand). VCF-style: chr3-194438909-G-A. GRCh37 (hg19) VCF-style: chr3-194159638-G-A.
Other names: c.1693C>T, p.Arg565Cys (NM_001374836.1); c.1774C>T, p.Arg592Cys (NM_024524.4); c.1774C>T (NM_024524.3); short protein forms R592C, R565C.
Identifiers: ClinVar variation 2858951 (VCV002858951.6), dbSNP rs190889432, ClinGen allele CA2761887.

ClinVar aggregate classification (germline): Benign/Likely benign. Review status: criteria provided, multiple submitters, no conflicts (2 of 4 stars). 3 submissions from 3 submitters: Benign (1); Likely benign (1). 1 of the submissions does not count toward it. Last evaluated 2026-07-01.

Conditions:
ATP13A3-related disorder. Also called: ATP13A3-related condition.

Allele frequency attached by ClinVar (database versions not stated): ESP Exome Variant Server 0.00008; TOPMed 0.00011; gnomAD 0.00039; 1000 Genomes Project 0.00100; 1000 Genomes Project 30x 0.00109; ExAC 0.00147.
gnomAD v4.1: 1,012 of 1,610,094 alleles (0.063%); highest among the groups gnomAD compares: South Asian, 0.95%; 15 homozygotes.

Submissions (3):

CeGaT Center for Human Genetics Tuebingen
Classification: Likely benign. Last evaluated: 2026-07-01. Review status: criteria provided, single submitter. Criteria: CeGaT Center For Human Genetics Tuebingen Variant Classification Criteria Version 2. Collection method: clinical testing. Allele origin: germline. Affected: yes. Observed: 1 variant allele.
Comment: ATP13A3: PP2, BS2

Labcorp Genetics (formerly Invitae), Labcorp
Classification: Benign. Last evaluated: 2025-09-10. Review status: criteria provided, single submitter. Criteria: Invitae Variant Classification Sherloc (09022015). Collection method: clinical testing. Allele origin: germline.

PreventionGenetics, part of Exact Sciences
Classification: Benign for ATP13A3-related condition. Last evaluated: 2019-02-21. Review status: no assertion criteria provided. Collection method: clinical testing. Allele origin: germline. Not counted in ClinVar's aggregate classification.
Comment: This variant is classified as benign based on ACMG/AMP sequence variant interpretation guidelines (Richards et al. 2015 PMID: 25741868, with internal and published modifications).